The following is an entry in ClinVar:

NM_001040108.2(MLH3):c.3571-9G>C

Gene: MLH3 (mutL homolog 3; minus strand). Cytogenetic location: 14q24.3.
Variant type: single nucleotide variant.
Coding change: c.3571-9G>C on transcript NM_001040108.2 (MANE Select); 9 bases into the intron before coding-DNA position 3571, G replaced by C.
Molecular consequence: intron variant.
Genome position (GRCh38, 1-based): chr14:75,038,421, C>G on the plus strand (G>C on the coding strand, the complement: MLH3 is on the minus strand). VCF-style: chr14-75038421-C-G. GRCh37 (hg19) VCF-style: chr14-75505124-C-G.
Other names: c.3571-9G>C (NM_014381.3).
Identifiers: ClinVar variation 701970 (VCV000701970.10), dbSNP rs1380288970, ClinGen allele CA615057474.

ClinVar aggregate classification (germline): Likely benign. Review status: criteria provided, multiple submitters, no conflicts (2 of 4 stars). 2 submissions from 2 submitters: Likely benign (2). Last evaluated 2026-04-28.

Conditions:
Colorectal cancer, hereditary nonpolyposis, type 7. Identifiers: Orphanet 144, MedGen C1858380, MONDO:0013725, OMIM 614385.

Allele frequency attached by ClinVar (database versions not stated): gnomAD 0.00001.
gnomAD v4.1: 5 of 1,581,416 alleles (0.00032%); highest among the groups gnomAD compares: Non-Finnish European, 0.00043%; no homozygotes.

Submissions (2):

Myriad Genetics, Inc.
Classification: Likely benign for Colorectal cancer, hereditary nonpolyposis, type 7. Last evaluated: 2026-04-28. Review status: criteria provided, single submitter. Criteria: Myriad Autosomal Dominant, Autosomal Recessive and X-Linked Classification Criteria (2023). Collection method: clinical testing. Allele origin: unknown.
Comment: This variant is considered likely benign. This variant is intronic and is not expected to impact mRNA splicing.

Labcorp Genetics (formerly Invitae), Labcorp
Classification: Likely benign for Colorectal cancer, hereditary nonpolyposis, type 7. Last evaluated: 2024-02-15. Review status: criteria provided, single submitter. Criteria: Invitae Variant Classification Sherloc (09022015). Collection method: clinical testing. Allele origin: germline.